The following is an entry in ClinVar:

NM_172107.4(KCNQ2):c.1023+94G>T

Gene: KCNQ2 (potassium voltage-gated channel subfamily Q member 2; minus strand). Cytogenetic location: 20q13.33.
Variant type: single nucleotide variant.
Coding change: c.1023+94G>T on transcript NM_172107.4 (MANE Select); 94 bases into the intron after coding-DNA position 1023, G replaced by T.
Molecular consequence: intron variant.
Genome position (GRCh38, 1-based): chr20:63,438,531, C>A on the plus strand (G>T on the coding strand, the complement: KCNQ2 is on the minus strand). VCF-style: chr20-63438531-C-A. GRCh37 (hg19) VCF-style: chr20-62069884-C-A.
Other names: c.1023+94G>T (NM_004518.6, NM_172108.5, NM_172106.3 and 2 more transcripts).
Identifiers: ClinVar variation 2652532 (VCV002652532.25), dbSNP rs561721319, ClinGen allele CA317455357.

ClinVar aggregate classification (germline): Benign/Likely benign. Review status: criteria provided, multiple submitters, no conflicts (2 of 4 stars). 2 submissions from 2 submitters: Benign (1); Likely benign (1). Last evaluated 2025-02-16.

Allele frequency attached by ClinVar (database versions not stated): 1000 Genomes Project 0.00040; 1000 Genomes Project 30x 0.00047.
gnomAD v4.1: 127 of 1,015,530 alleles (0.013%); highest among the groups gnomAD compares: South Asian, 0.12%; 2 homozygotes.

Submissions (2):

Laboratory of Genetics, Children's Clinical University Hospital Latvia
Classification: Likely benign. Last evaluated: 2025-02-16. Review status: criteria provided, single submitter. Criteria: ACMG Guidelines, 2015. Collection method: clinical testing. Allele origin: germline. Affected: yes.

CeGaT Center for Human Genetics Tuebingen
Classification: Benign. Last evaluated: 2022-09-01. Review status: criteria provided, single submitter. Criteria: CeGaT Center For Human Genetics Tuebingen Variant Classification Criteria Version 2. Collection method: clinical testing. Allele origin: germline. Affected: yes. Observed: 1 variant allele.
Comment: KCNQ2: BS1, BS2